The following is an entry in ClinVar:

NM_024675.4(PALB2):c.1675C>G (p.Gln559Glu)

Gene: PALB2 (partner and localizer of BRCA2; minus strand). Cytogenetic location: 16p12.2.
Variant type: single nucleotide variant.
Coding change: c.1675C>G on transcript NM_024675.4 (MANE Select); coding-DNA position 1675, C replaced by G.
Protein change: p.Gln559Glu; replaces glutamine 559 with glutamic acid.
Molecular consequence: missense variant.
Genome position (GRCh38, 1-based): chr16:23,634,871, G>C on the plus strand (C>G on the coding strand, the complement: PALB2 is on the minus strand). VCF-style: chr16-23634871-G-C. GRCh37 (hg19) VCF-style: chr16-23646192-G-C.
Other names: c.1675C>G (NM_024675.3); short protein forms Q559E.
Identifiers: ClinVar variation 1376312 (VCV001376312.10), dbSNP rs1555461154, ClinGen allele CA395129922.

ClinVar aggregate classification (germline): Conflicting classifications of pathogenicity. Review status: criteria provided, conflicting classifications (1 of 4 stars). 2 submissions from 2 submitters: Uncertain significance (1); Likely benign (1). Last evaluated 2024-04-05.

Conditions:
Hereditary cancer-predisposing syndrome. Also called: Neoplastic Syndromes, Hereditary; Hereditary Cancer Syndrome; Tumor predisposition; Hereditary neoplastic syndrome. Identifiers: Orphanet 140162, MedGen C0027672, MeSH D009386, MONDO:0015356.
Familial cancer of breast. Also called: Hereditary breast cancer; BREAST CANCER, FAMILIAL; hereditary breast carcinoma. Identifiers: Orphanet 227535, MedGen C0346153, MONDO:0016419, OMIM 114480. Disease mechanism: loss of function.

Submissions (2):

Ambry Genetics
Classification: Likely benign for Hereditary cancer-predisposing syndrome. Last evaluated: 2024-04-05. Review status: criteria provided, single submitter. Criteria: Ambry Variant Classification Scheme 2023. Collection method: clinical testing. Allele origin: germline.

Labcorp Genetics (formerly Invitae), Labcorp
Classification: Uncertain significance for Familial cancer of breast. Last evaluated: 2021-01-02. Review status: criteria provided, single submitter. Criteria: Invitae Variant Classification Sherloc (09022015). Collection method: clinical testing. Allele origin: germline.
Comment: In summary, the available evidence is currently insufficient to determine the role of this variant in disease. Therefore, it has been classified as a Variant of Uncertain Significance. Algorithms developed to predict the effect of missense changes on protein structure and function (SIFT, PolyPhen-2, Align-GVGD) all suggest that this variant is likely to be tolerated, but these predictions have not been confirmed by published functional studies and their clinical significance is uncertain. This variant has not been reported in the literature in individuals with PALB2-related conditions. This variant is not present in population databases (ExAC no frequency). This sequence change replaces glutamine with glutamic acid at codon 559 of the PALB2 protein (p.Gln559Glu). The glutamine residue is weakly conserved and there is a small physicochemical difference between glutamine and glutamic acid.